The following is an entry in ClinVar:

ClinVar aggregate classification (somatic clinical impact): Tier II - Potential (1 of 4 stars; one submission).

Conditions:
Medulloblastoma WNT activated. Identifiers: MedGen C4331965, MONDO:0850196.

Submission:

Institute for Genomic Medicine (IGM) Clinical Laboratory, Nationwide Children's Hospital
Classification: Tier II - Potential for Medulloblastoma WNT activated. Assertion type: diagnostic. Clinical significance: supports diagnosis. Last evaluated: 2025-07-09. Review status: criteria provided, single submitter. Criteria: AMP/ASCO/CAP Guidelines, 2017. Collection method: clinical testing. Allele origin: somatic. Affected: yes.
Comment: Variant has Tier II (potential) clinical significance as a diagnostic inclusion criterion in medulloblastoma WNT activated, based on the following evidence: 1) Appears in one or more well-established professional guidelines (e.g., World Health Organization [WHO]; National Comprehensive Cancer Network [NCCN]) as providing diagnostic, prognostic, or therapeutic information. 2) Diagnostic significance based on multiple small studies (Evidence Level C; PMIDs: 22832583, 22722829, 28726821, 22820256).

Literature cited by the submitters: PubMed 22832583; PubMed 22722829; PubMed 28726821; PubMed 22820256.

NM_001356.5(DDX3X):c.1177_1178delinsTT (p.Ala393Phe)

Gene: DDX3X (DEAD-box helicase 3 X-linked; plus strand). Cytogenetic location: Xp11.4.
Variant type: Indel.
Coding change: c.1177_1178delinsTT on transcript NM_001356.5 (MANE Select); coding-DNA positions 1177 to 1178, GC replaced by TT.
Protein change: p.Ala393Phe; replaces alanine 393 with phenylalanine.
Molecular consequence: missense variant. On other transcripts: non-coding transcript variant (1).
Genome position (GRCh38, 1-based): chrX:41,345,410-41,345,411, GC replaced by TT. VCF-style: chrX-41345410-GC-TT. GRCh37 (hg19) VCF-style: chrX-41204663-GC-TT.
Other names: c.1177_1178delinsTT, p.Ala393Phe (NM_001193416.3); c.1129_1130delinsTT, p.Ala377Phe (NM_001193417.3); c.619_620delinsTT, p.Ala207Phe (NM_001363819.1); short protein forms A207F, A377F, A393F.
Identifiers: ClinVar variation 4530087 (VCV004530087.1).